The following is an entry in ClinVar:

NM_001042545.2(LTBP4):c.99C>G (p.Arg33=)

Gene: LTBP4 (latent transforming growth factor beta binding protein 4; plus strand). Cytogenetic location: 19q13.2.
Variant type: single nucleotide variant.
Coding change: c.99C>G on transcript NM_001042545.2 (MANE Select); coding-DNA position 99, C replaced by G.
Protein change: p.Arg33=; no amino-acid change (arginine 33 retained).
Molecular consequence: synonymous variant. On other transcripts: intron variant (2).
Genome position (GRCh38, 1-based): chr19:40,601,486, C>G. VCF-style: chr19-40601486-C-G. GRCh37 (hg19) VCF-style: chr19-41107392-C-G.
Other names: c.340+1309C>G (NM_003573.2); c.451+1309C>G (NM_001042544.1).
Identifiers: ClinVar variation 5039942 (VCV005039942.1).
Genomic context (GRCh38, chr19:40,601,486, plus strand): 5'-GGTGCTGCTGGCGCAGCTAGGGCCGCAGCCTGGACTGGGCCGGCTCGGAGAGCGTCTCCG[C>G]GTGCGCTTCACCCCGGTCGTGTGCGGCCTGCGCTGCGTCCATGGGCCGACCGGCTCCCGC-3'
Protein context (NP_001036010.1, residues 23-43): PGLGRLGERL[Arg33=]VRFTPVVCGL

ClinVar aggregate classification (germline): Likely benign (1 of 4 stars; one submission).

Submission:

CeGaT Center for Human Genetics Tuebingen
Classification: Likely benign. Last evaluated: 2026-06-01. Review status: criteria provided, single submitter. Criteria: CeGaT Center For Human Genetics Tuebingen Variant Classification Criteria Version 2. Collection method: clinical testing. Allele origin: germline. Affected: yes. Observed: 1 variant allele.
Comment: LTBP4: PM2:Supporting, BP4, BP7